The following is an entry in ClinVar:

ClinVar aggregate classification (germline): Conflicting classifications of pathogenicity. Review status: criteria provided, conflicting classifications (1 of 4 stars). 3 submissions from 3 submitters: Uncertain significance (2); Likely benign (1). Last evaluated 2025-05-16.

Conditions:
Hereditary cancer-predisposing syndrome. Also called: Hereditary neoplastic syndrome; Hereditary Cancer Syndrome; Neoplastic Syndromes, Hereditary; Tumor predisposition. Identifiers: Orphanet 140162, MedGen C0027672, MeSH D009386, MONDO:0015356.
BRCA2-related cancer predisposition. Identifiers: MedGen CN377758, MONDO:0700269.

Submissions (3):

Ambry Genetics
Classification: Likely benign for Hereditary cancer-predisposing syndrome. Last evaluated: 2025-05-16. Review status: criteria provided, single submitter. Criteria: Ambry Variant Classification Scheme 2023. Collection method: clinical testing. Allele origin: germline.

All of Us Research Program, National Institutes of Health
Classification: Uncertain significance for BRCA2-related cancer predisposition. Last evaluated: 2024-03-05. Review status: criteria provided, single submitter. Criteria: ACMG Guidelines, 2015. Collection method: clinical testing. Allele origin: germline. Inheritance: Autosomal dominant inheritance. Observed: 1 variant allele, 1 heterozygote.
Comment: This study involves interpretation of variants in research participants for the purpose of population health screening. Participant phenotype was not available at the time of variant classification. Additional details can be found in publication PMID: 35346344, PMCID: PMC8962531

GeneDx
Classification: Uncertain significance. Last evaluated: 2016-02-10. Review status: criteria provided, single submitter. Criteria: GeneDx Variant Classification (06012015). Collection method: clinical testing. Allele origin: germline. Affected: yes.
Comment: This variant is denoted BRCA2 c.9353T>G at the cDNA level, p.Met3118Arg (M3118R) at the protein level, and results in the change of a Methionine to an Arginine (ATG>AGG). Using alternate nomenclature, this variant would be defined as BRCA2 9581T>G. This variant has not, to our knowledge, been published in the literature as pathogenic or benign. BRCA2 Met3118Arg was not observed in approximately 6,500 individuals of European and African American ancestry in the NHLBI Exome Sequencing Project, suggesting it is not a common benign variant in these populations. Since Methionine and Arginine differ in polarity, charge, size or other properties, this is considered a non-conservative amino acid substitution. BRCA2 Met3118Arg occurs at a position that is not conserved and is located in the DNA binding domain (Yang 2002). In silico analyses are inconsistent regarding the effect this variant may have on protein structure and function. Based on currently available evidence, it is unclear whether BRCA2 Met3118Arg is a pathogenic or benign variant. We consider it to be a variant of uncertain significance.

NM_000059.4(BRCA2):c.9353T>G (p.Met3118Arg)

Gene: BRCA2 (BRCA2 DNA repair associated; plus strand). Cytogenetic location: 13q13.1.
Variant type: single nucleotide variant.
Coding change: c.9353T>G on transcript NM_000059.4 (MANE Select); coding-DNA position 9353, T replaced by G.
Protein change: p.Met3118Arg; replaces methionine 3118 with arginine.
Molecular consequence: missense variant.
Genome position (GRCh38, 1-based): chr13:32,394,785, T>G. VCF-style: chr13-32394785-T-G. GRCh37 (hg19) VCF-style: chr13-32968922-T-G.
Other names: short protein forms M3118R.
Identifiers: ClinVar variation 234837 (VCV000234837.5), dbSNP rs56204128, ClinGen allele CA10577496.